The following is an entry in ClinVar:

NM_006363.6(SEC23B):c.708C>A (p.His236Gln)

Gene: SEC23B (SEC23 homolog B, COPII component; plus strand). Cytogenetic location: 20p11.23.
Variant type: single nucleotide variant.
Coding change: c.708C>A on transcript NM_006363.6 (MANE Select); coding-DNA position 708, C replaced by A.
Protein change: p.His236Gln; replaces histidine 236 with glutamine.
Molecular consequence: missense variant.
Genome position (GRCh38, 1-based): chr20:18,525,806, C>A. VCF-style: chr20-18525806-C-A. GRCh37 (hg19) VCF-style: chr20-18506450-C-A.
Other names: c.708C>A, p.His236Gln (NM_001172745.3, NM_032985.6, NM_032986.5); c.654C>A, p.His218Gln (NM_001172746.3); short protein forms H218Q, H236Q.
Identifiers: ClinVar variation 899046 (VCV000899046.9), dbSNP rs748683327, ClinGen allele CA9778114.

ClinVar aggregate classification (germline): Uncertain significance. Review status: criteria provided, multiple submitters, no conflicts (2 of 4 stars). 4 submissions from 4 submitters: Uncertain significance (4). Last evaluated 2022-09-08.

Conditions:
Cowden syndrome 7 (CWS7). Identifiers: Orphanet 201, MedGen C4225179, MONDO:0014802, OMIM 616858.
Congenital dyserythropoietic anemia, type II (CDAN2). Also called: DYSERYTHROPOIETIC ANEMIA, HEMPAS TYPE. Identifiers: Orphanet 98873, MedGen C1306589, MONDO:0009134, OMIM 224100.

Allele frequency attached by ClinVar (database versions not stated): TOPMed 0.00001.

Submissions (4):

Revvity Omics, Revvity
Classification: Uncertain significance. Last evaluated: 2022-09-08. Review status: criteria provided, single submitter. Criteria: ACMG Guidelines, 2015. Collection method: clinical testing. Allele origin: germline.

Labcorp Genetics (formerly Invitae), Labcorp
Classification: Uncertain significance for Congenital dyserythropoietic anemia, type II; Cowden syndrome 7. Last evaluated: 2022-01-22. Review status: criteria provided, single submitter. Criteria: Invitae Variant Classification Sherloc (09022015). Collection method: clinical testing. Allele origin: germline.
Comment: This sequence change replaces histidine, which is basic and polar, with glutamine, which is neutral and polar, at codon 236 of the SEC23B protein (p.His236Gln). This variant is present in population databases (rs748683327, gnomAD 0.004%). This variant has not been reported in the literature in individuals affected with SEC23B-related conditions. ClinVar contains an entry for this variant (Variation ID: 899046). Algorithms developed to predict the effect of missense changes on protein structure and function output the following: SIFT: "Tolerated"; PolyPhen-2: "Benign"; Align-GVGD: "Class C0". The glutamine amino acid residue is found in multiple mammalian species, which suggests that this missense change does not adversely affect protein function. In summary, the available evidence is currently insufficient to determine the role of this variant in disease. Therefore, it has been classified as a Variant of Uncertain Significance.

Illumina Laboratory Services, Illumina
Classification: Uncertain significance for Congenital dyserythropoietic anemia, type II. Last evaluated: 2018-01-12. Review status: criteria provided, single submitter. Criteria: ICSL Variant Classification Criteria 13 December 2019. Collection method: clinical testing. Allele origin: germline.

Breakthrough Genomics
Classification: Uncertain significance. Review status: criteria provided, single submitter. Criteria: ACMG Guidelines, 2015. Collection method: not provided. Allele origin: germline. Inheritance: Autosomal dominant inheritance. Affected: yes.